The following is an entry in ClinVar:

ClinVar aggregate classification (germline): Uncertain significance (1 of 4 stars; one submission).

Conditions:
Interstitial lung disease 2 (ILD2). Also called: FIBROCYSTIC PULMONARY DYSPLASIA; FIBROSING ALVEOLITIS, CRYPTOGENIC; Familial idiopathic pulmonary fibrosis. Identifiers: Orphanet 2032, Orphanet 79126, MedGen C5561926, MONDO:0800497, OMIM 178500, MONDO:0800029.
Dyskeratosis congenita, autosomal dominant 2. Identifiers: MedGen C3151443, MONDO:0013521, OMIM 613989.

Submission:

Labcorp Genetics (formerly Invitae), Labcorp
Classification: Uncertain significance for Dyskeratosis congenita, autosomal dominant, 2; Idiopathic fibrosing alveolitis, chronic form. Last evaluated: 2019-12-05. Review status: criteria provided, single submitter. Criteria: Invitae Variant Classification Sherloc (09022015). Collection method: clinical testing. Allele origin: germline.
Comment: This variant results in a copy number gain of the genomic region encompassing exon 16 of the TERT gene. The 5' boundary is likely confined to intron 15. The 3' end of this event is unknown as it extends beyond the assayed region for this gene and therefore may encompass additional genes. As the precise location of this event is unknown, it may be in tandem or it may be located elsewhere in the genome. This variant has not been reported in the literature in individuals with TERT-related disease. In summary, the available evidence is currently insufficient to determine the role of this variant in disease. Therefore, it has been classified as a Variant of Uncertain Significance.

NC_000005.9:g.(?_1253833)_(1253956_?)dup

Gene: TERT (telomerase reverse transcriptase; minus strand). Cytogenetic location: 5p15.33.
Variant type: Duplication.
Identifiers: ClinVar variation 654089 (VCV000654089.3).